The following is an entry in ClinVar:

NM_003998.4(NFKB1):c.692G>A (p.Arg231His)

Gene: NFKB1 (nuclear factor kappa B subunit 1; plus strand). Cytogenetic location: 4q24.
Variant type: single nucleotide variant.
Coding change: c.692G>A on transcript NM_003998.4 (MANE Select); coding-DNA position 692, G replaced by A.
Protein change: p.Arg231His; replaces arginine 231 with histidine.
Molecular consequence: missense variant.
Genome position (GRCh38, 1-based): chr4:102,579,001, G>A. VCF-style: chr4-102579001-G-A. GRCh37 (hg19) VCF-style: chr4-103500158-G-A.
Other names: c.689G>A, p.Arg230His (NM_001165412.2, NM_001319226.2); c.692G>A, p.Arg231His (LRG_1316t1); short protein forms R231H, R230H.
Identifiers: ClinVar variation 451554 (VCV000451554.43), dbSNP rs146936581, ClinGen allele CA3025949.

ClinVar aggregate classification (germline): Uncertain significance. Review status: criteria provided, multiple submitters, no conflicts (2 of 4 stars). 4 submissions from 4 submitters: Uncertain significance (4). Last evaluated 2026-08-01.

Allele frequency attached by ClinVar (database versions not stated): gnomAD 0.00006; TOPMed 0.00006.
gnomAD v4.1: 147 of 1,613,938 alleles (0.0091%); highest among the groups gnomAD compares: Non-Finnish European, 0.01%; no homozygotes.

Submissions (4):

CeGaT Center for Human Genetics Tuebingen
Classification: Uncertain significance. Last evaluated: 2026-08-01. Review status: criteria provided, single submitter. Criteria: CeGaT Center For Human Genetics Tuebingen Variant Classification Criteria Version 2. Collection method: clinical testing. Allele origin: germline. Affected: yes. Observed: 3 variant alleles.
Comment: NFKB1: PM2, PS2:Supporting

Labcorp Genetics (formerly Invitae), Labcorp
Classification: Uncertain significance. Last evaluated: 2026-02-01. Review status: criteria provided, single submitter. Criteria: Invitae Variant Classification Sherloc (09022015). Collection method: clinical testing. Allele origin: germline.
Comment: This sequence change replaces arginine, which is basic and polar, with histidine, which is basic and polar, at codon 231 of the NFKB1 protein (p.Arg231His). This variant is present in population databases (rs146936581, gnomAD 0.006%). This variant has not been reported in the literature in individuals affected with NFKB1-related conditions. ClinVar contains an entry for this variant (Variation ID: 451554). Invitae Evidence Modeling of protein sequence and biophysical properties (such as structural, functional, and spatial information, amino acid conservation, physicochemical variation, residue mobility, and thermodynamic stability) indicates that this missense variant is not expected to disrupt NFKB1 protein function with a negative predictive value of 80%. In summary, the available evidence is currently insufficient to determine the role of this variant in disease. Therefore, it has been classified as a Variant of Uncertain Significance.

Blueprint Genetics
Classification: Uncertain significance. Last evaluated: 2024-01-04. Review status: criteria provided, single submitter. Criteria: ACMG Guidelines, 2015. Collection method: clinical testing. Allele origin: germline.

GeneDx
Classification: Uncertain significance. Last evaluated: 2017-08-22. Review status: criteria provided, single submitter. Criteria: GeneDx Variant Classification (06012015). Collection method: clinical testing. Allele origin: germline. Affected: yes.
Comment: The R231H variant in the NFKB1 gene has not been reported previously as a pathogenic variant, nor as a benign variant, to our knowledge. Although not present in the homozygous state, the R231H variant is observed in 1/10406 (0.02%) alleles from individuals of African background in the ExAC dataset (Lek et al., 2016). The R231H variant is a conservative amino acid substitution, which occurs at a position in the RHD domain that is conserved in mammals. In silico analysis is inconsistent in its predictions as to whether or not the variant is damaging to the protein structure/function. We interpret R231H as a variant of uncertain significance.